The following is an entry in ClinVar:

NM_001267550.2(TTN):c.103869A>C (p.Lys34623Asn)

Genes: TTN (titin; minus strand), TTN-AS1 (TTN antisense RNA 1; plus strand). Cytogenetic location: 2q31.2.
Variant type: single nucleotide variant.
Coding change: c.103869A>C on transcript NM_001267550.2 (MANE Select); coding-DNA position 103869, A replaced by C.
Protein change: p.Lys34623Asn; replaces lysine 34623 with asparagine.
Molecular consequence: missense variant.
Genome position (GRCh38, 1-based): chr2:178,532,746, T>G on the plus strand (A>C on the coding strand, the complement: TTN is on the minus strand). VCF-style: chr2-178532746-T-G. GRCh37 (hg19) VCF-style: chr2-179397473-T-G.
Other names: c.98946A>C, p.Lys32982Asn (NM_001256850.1); c.76674A>C, p.Lys25558Asn (NM_003319.4); c.96165A>C, p.Lys32055Asn (NM_133378.4); c.77049A>C, p.Lys25683Asn (NM_133432.3); c.77250A>C, p.Lys25750Asn (NM_133437.4); short protein forms K25683N, K32982N, K34623N, K25750N, K32055N, K25558N.
Identifiers: ClinVar variation 4982485 (VCV004982485.1).

ClinVar aggregate classification (germline): Uncertain significance (1 of 4 stars; one submission).

Conditions:
TTN-related disorder. Also called: TTN-related disorders; TTN-related condition; TTN-related disease.

gnomAD v4.1: 1 of 1,613,740 alleles (0.000062%); highest among the groups gnomAD compares: South Asian, 0.0011%; no homozygotes.

Submission:

PreventionGenetics, part of Exact Sciences
Classification: Uncertain significance for TTN-related condition. Last evaluated: 2025-05-16. Review status: criteria provided, single submitter. Criteria: ACMG Guidelines, 2015. Collection method: clinical testing. Allele origin: germline.
Comment: The TTN c.103869A>C variant is predicted to result in the amino acid substitution p.Lys34623Asn. To our knowledge, this variant has not been reported in the literature or in a large population database (gnomAD), indicating this variant is rare. At this time, the clinical significance of this variant is uncertain due to the absence of conclusive functional and genetic evidence.